The following is an entry in ClinVar:

ClinVar aggregate classification (germline): Uncertain significance. Review status: criteria provided, multiple submitters, no conflicts (2 of 4 stars). 2 submissions from 2 submitters: Uncertain significance (2). Last evaluated 2025-04-19.

Conditions:
Early-infantile DEE. Also called: Early infantile epileptic encephalopathy; Early infantile epileptic encephalopathy with suppression bursts; Ohtahara syndrome. Identifiers: Orphanet 1934, MedGen C0393706, MONDO:0800491.

Allele frequency attached by ClinVar (database versions not stated): gnomAD exomes below 0.00001.
gnomAD v4.1: 2 of 1,614,188 alleles (0.00012%); highest among the groups gnomAD compares: South Asian, 0.0022%; no homozygotes.

Submissions (2):

GeneDx
Classification: Uncertain significance. Last evaluated: 2025-04-19. Review status: criteria provided, single submitter. Criteria: GeneDx Variant Classification Process June 2021. Collection method: clinical testing. Allele origin: germline. Affected: yes.
Comment: Not observed at significant frequency in large population cohorts (gnomAD); In silico analysis supports that this missense variant has a deleterious effect on protein structure/function; Has not been previously published as pathogenic or benign to our knowledge

Labcorp Genetics (formerly Invitae), Labcorp
Classification: Uncertain significance for Early-infantile DEE. Last evaluated: 2022-11-15. Review status: criteria provided, single submitter. Criteria: Invitae Variant Classification Sherloc (09022015). Collection method: clinical testing. Allele origin: germline.
Comment: This sequence change replaces aspartic acid, which is acidic and polar, with asparagine, which is neutral and polar, at codon 1337 of the SPTAN1 protein (p.Asp1337Asn). This variant is not present in population databases (gnomAD no frequency). This variant has not been reported in the literature in individuals affected with SPTAN1-related conditions. Algorithms developed to predict the effect of missense changes on protein structure and function (SIFT, PolyPhen-2, Align-GVGD) all suggest that this variant is likely to be tolerated. In summary, the available evidence is currently insufficient to determine the role of this variant in disease. Therefore, it has been classified as a Variant of Uncertain Significance.

NM_001130438.3(SPTAN1):c.4009G>A (p.Asp1337Asn)

Gene: SPTAN1 (spectrin alpha, non-erythrocytic 1; plus strand). Cytogenetic location: 9q34.11.
Variant type: single nucleotide variant.
Coding change: c.4009G>A on transcript NM_001130438.3 (MANE Select); coding-DNA position 4009, G replaced by A.
Protein change: p.Asp1337Asn; replaces aspartic acid 1337 with asparagine.
Molecular consequence: missense variant.
Genome position (GRCh38, 1-based): chr9:128,605,440, G>A. VCF-style: chr9-128605440-G-A. GRCh37 (hg19) VCF-style: chr9-131367719-G-A.
Other names: c.4009G>A, p.Asp1337Asn (NM_001375311.2, NM_001375313.1, NM_003127.4 and 2 more transcripts); c.4045G>A, p.Asp1349Asn (NM_001375312.2, NM_001375318.1); c.3949G>A, p.Asp1317Asn (NM_001375314.2, NM_001195532.2, NM_001363765.2); c.4009G>A (NM_001130438.2); short protein forms D1317N, D1349N, D1337N.
Identifiers: ClinVar variation 2814398 (VCV002814398.4), dbSNP rs2541687766, ClinGen allele CA375065377.